The following is an entry in ClinVar:

ClinVar aggregate classification (germline): Pathogenic. Review status: criteria provided, multiple submitters, no conflicts (2 of 4 stars). 4 submissions from 4 submitters: Pathogenic (2). 2 of the submissions do not count toward it. Last evaluated 2026-06-17.

Conditions:
Retinitis pigmentosa and erythrocytic microcytosis (RPEM). Identifiers: MedGen C4310776, MONDO:0014850, OMIM 616959.
Congenital sideroblastic anemia-B-cell immunodeficiency-periodic fever-developmental delay syndrome. Also called: Sideroblastic anemia with B-cell immunodeficiency, periodic fevers, and developmental delay. Identifiers: Orphanet 369861, MedGen C4015172, MONDO:0014487, OMIM 616084.

Submissions (4):

GeneDx
Classification: Pathogenic. Last evaluated: 2026-06-17. Review status: criteria provided, single submitter. Criteria: GeneDx Variant Classification Process June 2021. Collection method: clinical testing. Allele origin: germline.
Comment: In-frame deletion of 1 amino acid(s) in a non-repeat region; Not observed at significant frequency in large population cohorts (gnomAD); In silico analysis supports a deleterious effect on protein structure/function; This variant is associated with the following publications: (PMID: 36819107, 26494905, Wilder2025[casereport])

Labcorp Genetics (formerly Invitae), Labcorp
Classification: Pathogenic for Congenital sideroblastic anemia-B-cell immunodeficiency-periodic fever-developmental delay syndrome. Last evaluated: 2026-01-18. Review status: criteria provided, single submitter. Criteria: Invitae Variant Classification Sherloc (09022015). Collection method: clinical testing. Allele origin: germline.
Comment: This variant, c.128_130del, results in the deletion of 1 amino acid(s) of the TRNT1 protein (p.Glu43del), but otherwise preserves the integrity of the reading frame. This variant is present in population databases (rs765128768, gnomAD 0.006%). This variant has been observed in individual(s) with clinical features of TRNT1-related disorders (PMID: 26494905, 28390992; internal data). In at least one individual the data is consistent with being in trans (on the opposite chromosome) from a pathogenic variant. It has also been observed to segregate with disease in related individuals. This variant is also known as c.126_128delAGA. ClinVar contains an entry for this variant (Variation ID: 234932). For these reasons, this variant has been classified as Pathogenic.

OMIM
Classification: Pathogenic for RETINITIS PIGMENTOSA AND ERYTHROCYTIC MICROCYTOSIS. Last evaluated: 2016-05-26. Review status: no assertion criteria provided. Collection method: literature only. Allele origin: germline. Not counted in ClinVar's aggregate classification.

Mayo Clinic Laboratories, Mayo Clinic
Classification: Uncertain significance. Last evaluated: 2023-11-09. Review status: flagged submission. Criteria: ACMG Guidelines, 2015. Collection method: clinical testing. Allele origin: germline. Observed: 1 variant allele. Not counted in ClinVar's aggregate classification.
Comment: PM4
ClinVar note: Reason: Outlier claim with insufficient supporting evidence

Literature cited by the submitters: PubMed 26494905 (cited by Labcorp Genetics (formerly Invitae), Labcorp and OMIM); PubMed 28390992 (cited by Labcorp Genetics (formerly Invitae), Labcorp).

NM_182916.3(TRNT1):c.128_130del (p.Glu43del)

Gene: TRNT1 (tRNA nucleotidyl transferase 1; plus strand). Cytogenetic location: 3p26.2.
Variant type: Deletion.
Coding change: c.128_130del on transcript NM_182916.3 (MANE Select); coding-DNA positions 128 to 130, 3 bases deleted (AAG; older notation c.128_130delAAG).
Protein change: p.Glu43del; deletes glutamic acid 43.
Molecular consequence: inframe deletion. On other transcripts: non-coding transcript variant (11).
Genome position (GRCh38, 1-based): chr3:3,129,168-3,129,170, AAG deleted; deleting any 3 consecutive bases within chr3:3,129,166-3,129,170 gives the same sequence; the c. name uses the placement nearest the transcript's 3' end. VCF-style (leftmost placement, unchanged base first): chr3-3129165-CAGA-C. GRCh37 (hg19) VCF-style: chr3-3170849-CAGA-C.
Other names: p.Glu43del; c.128_130del, p.Glu43del (NM_001302946.2, NM_001367321.1, NM_001367322.1 and 1 more transcripts); short protein forms E43del.
Identifiers: ClinVar variation 234932 (VCV000234932.9), dbSNP rs876661297, ClinGen allele CA2228520.